The following is an entry in ClinVar:

ClinVar aggregate classification (germline): Uncertain significance (1 of 4 stars; one submission).

Conditions:
Hereditary cancer-predisposing syndrome. Also called: Neoplastic Syndromes, Hereditary; Tumor predisposition; Hereditary Cancer Syndrome; Hereditary neoplastic syndrome. Identifiers: Orphanet 140162, MedGen C0027672, MeSH D009386, MONDO:0015356.

gnomAD v4.1: 1 of 1,614,006 alleles (0.000062%); highest among the groups gnomAD compares: African/African-American, 0.0013%; no homozygotes.

Submission:

Ambry Genetics
Classification: Uncertain significance for Hereditary cancer-predisposing syndrome. Last evaluated: 2026-06-08. Review status: criteria provided, single submitter. Criteria: Ambry Variant Classification Scheme 2023. Collection method: clinical testing. Allele origin: germline.
Comment: The p.R13P variant (also known as c.38G>C), located in coding exon 1 of the RAD50 gene, results from a G to C substitution at nucleotide position 38. The arginine at codon 13 is replaced by proline, an amino acid with dissimilar properties. This amino acid position is conserved. In addition, this alteration is predicted to be deleterious by in silico analysis. Based on the available evidence, the clinical significance of this variant remains unclear.

NM_005732.4(RAD50):c.38G>C (p.Arg13Pro)

Gene: RAD50 (RAD50 double strand break repair protein; plus strand). Cytogenetic location: 5q31.1.
Variant type: single nucleotide variant.
Coding change: c.38G>C on transcript NM_005732.4 (MANE Select); coding-DNA position 38, G replaced by C.
Protein change: p.Arg13Pro; replaces arginine 13 with proline.
Molecular consequence: missense variant.
Genome position (GRCh38, 1-based): chr5:132,557,362, G>C. VCF-style: chr5-132557362-G-C. GRCh37 (hg19) VCF-style: chr5-131893054-G-C.
Other names: short protein forms R13P.
Identifiers: ClinVar variation 4862825 (VCV004862825.1).